The following is an entry in ClinVar:

NM_024675.4(PALB2):c.3458C>A (p.Pro1153His)

Gene: PALB2 (partner and localizer of BRCA2; minus strand). Cytogenetic location: 16p12.2.
Variant type: single nucleotide variant.
Coding change: c.3458C>A on transcript NM_024675.4 (MANE Select); coding-DNA position 3458, C replaced by A.
Protein change: p.Pro1153His; replaces proline 1153 with histidine.
Molecular consequence: missense variant.
Genome position (GRCh38, 1-based): chr16:23,603,562, G>T on the plus strand (C>A on the coding strand, the complement: PALB2 is on the minus strand). VCF-style: chr16-23603562-G-T. GRCh37 (hg19) VCF-style: chr16-23614883-G-T.
Other names: short protein forms P1153H.
Identifiers: ClinVar variation 823792 (VCV000823792.4), dbSNP rs1567205039, ClinGen allele CA395138072.

ClinVar aggregate classification (germline): Uncertain significance (1 of 4 stars; one submission).

Conditions:
Hereditary cancer-predisposing syndrome. Also called: Neoplastic Syndromes, Hereditary; Tumor predisposition; Hereditary neoplastic syndrome; Hereditary Cancer Syndrome. Identifiers: Orphanet 140162, MedGen C0027672, MeSH D009386, MONDO:0015356.

Submission:

Ambry Genetics
Classification: Uncertain significance for Hereditary cancer-predisposing syndrome. Last evaluated: 2019-08-14. Review status: criteria provided, single submitter. Criteria: Ambry Variant Classification Scheme 2023. Collection method: clinical testing. Allele origin: germline.
Comment: The p.P1153H variant (also known as c.3458C>A), located in coding exon 13 of the PALB2 gene, results from a C to A substitution at nucleotide position 3458. The proline at codon 1153 is replaced by histidine, an amino acid with similar properties. This amino acid position is highly conserved in available vertebrate species. In addition, this alteration is predicted to be tolerated by in silico analysis. Since supporting evidence is limited at this time, the clinical significance of this alteration remains unclear.